The following is an entry in ClinVar:

ClinVar aggregate classification (germline): Benign (1 of 4 stars; one submission).

Conditions:
Episodic ataxia type 5. Identifiers: Orphanet 211067, MedGen C1866039, MONDO:0013464, OMIM 613855.

Allele frequency attached by ClinVar (database versions not stated): gnomAD 0.00721 and 0.00768; TOPMed 0.00785; 1000 Genomes Project 0.00938; 1000 Genomes Project 30x 0.00984.

Submission:

Illumina Laboratory Services, Illumina
Classification: Benign for Episodic ataxia type 5. Last evaluated: 2018-01-13. Review status: criteria provided, single submitter. Criteria: ICSL Variant Classification Criteria 13 December 2019. Collection method: clinical testing. Allele origin: germline.
Comment: This variant was observed in the ICSL laboratory as part of a predisposition screen in an ostensibly healthy population. It had not been previously curated by ICSL or reported in the Human Gene Mutation Database (HGMD: prior to June 1st, 2018), and was therefore a candidate for classification through an automated scoring system. Utilizing variant allele frequency, disease prevalence and penetrance estimates, and inheritance mode, an automated score was calculated to assess if this variant is too frequent to cause the disease. Based on the score and internal cut-off values, a variant classified as benign is not then subjected to further curation. The score for this variant resulted in a classification of benign for this disease.

NM_000726.5(CACNB4):c.*2695G>T

Gene: CACNB4 (calcium voltage-gated channel auxiliary subunit beta 4; minus strand). Cytogenetic location: 2q23.3.
Variant type: single nucleotide variant.
Coding change: c.*2695G>T on transcript NM_000726.5 (MANE Select); 2695 bases downstream of the stop codon, G replaced by T.
Molecular consequence: 3 prime UTR variant.
Genome position (GRCh38, 1-based): chr2:151,836,424, C>A on the plus strand (G>T on the coding strand, the complement: CACNB4 is on the minus strand). VCF-style: chr2-151836424-C-A. GRCh37 (hg19) VCF-style: chr2-152692938-C-A.
Other names: c.*2695G>T (NM_001005746.4, NM_001005747.4, NM_001145798.3 and 7 more transcripts).
Identifiers: ClinVar variation 331585 (VCV000331585.6), dbSNP rs74894311, ClinGen allele CA10612554.